The following is an entry in ClinVar:

NM_000178.4(GSS):c.14G>T (p.Trp5Leu)

Gene: GSS (glutathione synthetase; minus strand). Cytogenetic location: 20q11.22.
Variant type: single nucleotide variant.
Coding change: c.14G>T on transcript NM_000178.4 (MANE Select); coding-DNA position 14, G replaced by T.
Protein change: p.Trp5Leu; replaces tryptophan 5 with leucine.
Molecular consequence: missense variant.
Genome position (GRCh38, 1-based): chr20:34,951,839, C>A on the plus strand (G>T on the coding strand, the complement: GSS is on the minus strand). VCF-style: chr20-34951839-C-A. GRCh37 (hg19) VCF-style: chr20-33539642-C-A.
Other names: c.14G>T, p.Trp5Leu (NM_001322494.1, NM_001322495.1); short protein forms W5L.
Identifiers: ClinVar variation 946425 (VCV000946425.9), dbSNP rs1196147286, ClinGen allele CA408706922.

ClinVar aggregate classification (germline): Uncertain significance (1 of 4 stars; one submission).

Conditions:
Glutathione synthetase deficiency with 5-oxoprolinuria. Also called: 5-Oxoprolinuria; 5-OXOPROLINURIA DUE TO GLUTATHIONE SYNTHETASE DEFICIENCY; Reduced glutathione synthetase level; Gluthathione synthetase deficiency; PYROGLUTAMIC ACIDURIA. Identifiers: Orphanet 289846, MedGen C0398746, MONDO:0009947, OMIM 266130, HP:0003343.

Submission:

Labcorp Genetics (formerly Invitae), Labcorp
Classification: Uncertain significance for Glutathione synthetase deficiency with 5-oxoprolinuria. Last evaluated: 2022-01-15. Review status: criteria provided, single submitter. Criteria: Invitae Variant Classification Sherloc (09022015). Collection method: clinical testing. Allele origin: germline.
Comment: In summary, the available evidence is currently insufficient to determine the role of this variant in disease. Therefore, it has been classified as a Variant of Uncertain Significance. Algorithms developed to predict the effect of missense changes on protein structure and function (SIFT, PolyPhen-2, Align-GVGD) all suggest that this variant is likely to be tolerated. ClinVar contains an entry for this variant (Variation ID: 946425). This variant has not been reported in the literature in individuals affected with GSS-related conditions. This variant is not present in population databases (gnomAD no frequency). This sequence change replaces tryptophan, which is neutral and slightly polar, with leucine, which is neutral and non-polar, at codon 5 of the GSS protein (p.Trp5Leu).